The following is an entry in ClinVar:

ClinVar aggregate classification (germline): Conflicting classifications of pathogenicity. Review status: criteria provided, conflicting classifications (1 of 4 stars). 3 submissions from 3 submitters: Uncertain significance (2); Likely benign (1). Last evaluated 2025-10-23.

Conditions:
Hereditary cancer-predisposing syndrome. Also called: Hereditary neoplastic syndrome; Tumor predisposition; Hereditary Cancer Syndrome; Neoplastic Syndromes, Hereditary. Identifiers: Orphanet 140162, MedGen C0027672, MeSH D009386, MONDO:0015356.
Multiple endocrine neoplasia type 4. Also called: MULTIPLE ENDOCRINE NEOPLASIA, TYPE IV. Identifiers: Orphanet 276152, MedGen C1970712, MONDO:0012552, OMIM 610755.

Allele frequency attached by ClinVar (database versions not stated): gnomAD exomes below 0.00001 and 0.00002.

Submissions (3):

Labcorp Genetics (formerly Invitae), Labcorp
Classification: Uncertain significance for Multiple endocrine neoplasia type 4. Last evaluated: 2025-10-23. Review status: criteria provided, single submitter. Criteria: Invitae Variant Classification Sherloc (09022015). Collection method: clinical testing. Allele origin: germline.
Comment: This sequence change replaces valine, which is neutral and non-polar, with methionine, which is neutral and non-polar, at codon 79 of the CDKN1B protein (p.Val79Met). This variant is present in population databases (no rsID available, gnomAD 0.003%). This variant has not been reported in the literature in individuals affected with CDKN1B-related conditions. ClinVar contains an entry for this variant (Variation ID: 1420451). An algorithm developed to predict the effect of missense changes on protein structure and function outputs the following: PolyPhen-2: "Benign". The methionine amino acid residue is found in multiple mammalian species, which suggests that this missense change does not adversely affect protein function. In summary, the available evidence is currently insufficient to determine the role of this variant in disease. Therefore, it has been classified as a Variant of Uncertain Significance.

Quest Diagnostics Nichols Institute San Juan Capistrano
Classification: Uncertain significance. Last evaluated: 2025-03-10. Review status: criteria provided, single submitter. Criteria: Quest Diagnostics criteria. Collection method: clinical testing. Allele origin: unknown.
Comment: The CDKN1B c.235G>A (p.Val79Met) variant has not been reported in individuals with CDKN1B-related conditions in the published literature. The frequency of this variant in the general population (Genome Aggregation Database) is uninformative in the assessment of its pathogenicity. Analysis of this variant using bioinformatics tools for the prediction of the effect of amino acid changes on protein structure and function yielded predictions that this variant is benign. Based on the available information, we are unable to determine the clinical significance of this variant.

Ambry Genetics
Classification: Likely benign for Hereditary cancer-predisposing syndrome. Last evaluated: 2022-09-25. Review status: criteria provided, single submitter. Criteria: Ambry Variant Classification Scheme 2023. Collection method: clinical testing. Allele origin: germline.

NM_004064.5(CDKN1B):c.235G>A (p.Val79Met)

Gene: CDKN1B (cyclin dependent kinase inhibitor 1B; plus strand). Cytogenetic location: 12p13.1.
Variant type: single nucleotide variant.
Coding change: c.235G>A on transcript NM_004064.5 (MANE Select); coding-DNA position 235, G replaced by A.
Protein change: p.Val79Met; replaces valine 79 with methionine.
Molecular consequence: missense variant.
Genome position (GRCh38, 1-based): chr12:12,718,074, G>A. VCF-style: chr12-12718074-G-A. GRCh37 (hg19) VCF-style: chr12-12871008-G-A.
Other names: c.235G>A (NM_004064.4); short protein forms V79M.
Identifiers: ClinVar variation 1420451 (VCV001420451.9), dbSNP rs1450787086, ClinGen allele CA383969709.
Genomic context (GRCh38, chr12:12,718,074, plus strand): 5'-AAGTGGAATTTCGATTTTCAGAATCACAAACCCCTAGAGGGCAAGTACGAGTGGCAAGAG[G>A]TGGAGAAGGGCAGCTTGCCCGAGTTCTACTACAGACCCCCGCGGCCCCCCAAAGGTGCCT-3'
Protein context (NP_004055.1, residues 69-89): PLEGKYEWQE[Val79Met]EKGSLPEFYY